The following is an entry in ClinVar:

NM_004656.4(BAP1):c.1548G>A (p.Pro516=)

Gene: BAP1 (BRCA1 associated deubiquitinase 1; minus strand). Cytogenetic location: 3p21.1.
Variant type: single nucleotide variant.
Coding change: c.1548G>A on transcript NM_004656.4 (MANE Select); coding-DNA position 1548, G replaced by A.
Protein change: p.Pro516=; no amino-acid change (proline 516 retained).
Molecular consequence: synonymous variant.
Genome position (GRCh38, 1-based): chr3:52,403,597, C>T on the plus strand (G>A on the coding strand, the complement: BAP1 is on the minus strand). VCF-style: chr3-52403597-C-T. GRCh37 (hg19) VCF-style: chr3-52437613-C-T.
Other names: c.1548G>A (LRG_529t1).
Identifiers: ClinVar variation 240049 (VCV000240049.46), dbSNP rs148990823, ClinGen allele CA2436779.

ClinVar aggregate classification (germline): Benign/Likely benign. Review status: criteria provided, multiple submitters, no conflicts (2 of 4 stars). 10 submissions from 10 submitters: Benign (2); Likely benign (8). Last evaluated 2025-12-17.

Conditions:
BAP1-related disorder. Also called: BAP1-related condition.
BAP1-related tumor predisposition syndrome (TPDS1). Also called: BAP1 tumor predisposition syndrome; Tumor susceptibility linked to germline BAP1 mutations; COMMON Syndrome; TUMOR PREDISPOSITION SYNDROME 1. Identifiers: Orphanet 289539, MedGen C3280492, MONDO:0013692, OMIM 614327.
Hereditary cancer-predisposing syndrome. Also called: Tumor predisposition; Hereditary Cancer Syndrome; Neoplastic Syndromes, Hereditary; Hereditary neoplastic syndrome. Identifiers: Orphanet 140162, MedGen C0027672, MeSH D009386, MONDO:0015356.

Allele frequency attached by ClinVar (database versions not stated): gnomAD 0.00001; gnomAD exomes 0.00002 and 0.00008; TOPMed 0.00005; ESP Exome Variant Server 0.00008; ExAC 0.00010.
gnomAD v4.1: 34 of 1,614,044 alleles (0.0021%); highest among the groups gnomAD compares: Middle Eastern, 0.049%; no homozygotes.

Submissions (10):

Labcorp Genetics (formerly Invitae), Labcorp
Classification: Likely benign for BAP1-related tumor predisposition syndrome. Last evaluated: 2025-12-17. Review status: criteria provided, single submitter. Criteria: Invitae Variant Classification Sherloc (09022015). Collection method: clinical testing. Allele origin: germline.

Quest Diagnostics Nichols Institute San Juan Capistrano
Classification: Benign. Last evaluated: 2025-10-07. Review status: criteria provided, single submitter. Criteria: Quest Diagnostics criteria. Collection method: clinical testing. Allele origin: unknown.

Center for Genomic Medicine, Rigshospitalet, Copenhagen University Hospital
Classification: Likely benign. Last evaluated: 2025-03-04. Review status: criteria provided, single submitter. Criteria: ACMG Guidelines, 2015. Collection method: clinical testing. Allele origin: germline.

PreventionGenetics, part of Exact Sciences
Classification: Likely benign for BAP1-related condition. Last evaluated: 2024-10-20. Review status: criteria provided, single submitter. Criteria: ACMG Guidelines, 2015. Collection method: clinical testing. Allele origin: germline.
Comment: This variant is classified as likely benign based on ACMG/AMP sequence variant interpretation guidelines (Richards et al. 2015 PMID: 25741868, with internal and published modifications).

Myriad Genetics, Inc.
Classification: Benign for BAP1-related tumor predisposition syndrome. Last evaluated: 2024-07-16. Review status: criteria provided, single submitter. Criteria: Myriad Autosomal Dominant, Autosomal Recessive and X-Linked Classification Criteria (2023). Collection method: clinical testing. Allele origin: unknown.
Comment: This variant is considered benign. This variant is a silent/synonymous amino acid change and it is not expected to impact splicing.

Blueprint Genetics
Classification: Likely benign. Last evaluated: 2024-04-13. Review status: criteria provided, single submitter. Criteria: ACMG Guidelines, 2015. Collection method: clinical testing. Allele origin: germline.

CeGaT Center for Human Genetics Tuebingen
Classification: Likely benign. Last evaluated: 2023-12-01. Review status: criteria provided, single submitter. Criteria: CeGaT Center For Human Genetics Tuebingen Variant Classification Criteria Version 2. Collection method: clinical testing. Allele origin: germline. Affected: yes. Observed: 1 variant allele.
Comment: BAP1: BP4, BP7

GeneDx
Classification: Likely benign. Last evaluated: 2019-02-12. Review status: criteria provided, single submitter. Criteria: GeneDx Variant Classification Process June 2021. Collection method: clinical testing. Allele origin: germline. Affected: yes.

Ambry Genetics
Classification: Likely benign for Hereditary cancer-predisposing syndrome. Last evaluated: 2016-11-05. Review status: criteria provided, single submitter. Criteria: Ambry Variant Classification Scheme 2023. Collection method: clinical testing. Allele origin: germline.

Color Diagnostics, LLC DBA Color Health
Classification: Likely benign for Hereditary cancer-predisposing syndrome. Last evaluated: 2016-06-24. Review status: criteria provided, single submitter. Criteria: ACMG Guidelines, 2015. Collection method: clinical testing. Allele origin: germline.